The following is an entry in ClinVar:

NM_016507.4(CDK12):c.4223T>C (p.Val1408Ala)

Gene: CDK12 (cyclin dependent kinase 12; plus strand). Cytogenetic location: 17q12.
Variant type: single nucleotide variant.
Coding change: c.4223T>C on transcript NM_016507.4 (MANE Select); coding-DNA position 4223, T replaced by C.
Protein change: p.Val1408Ala; replaces valine 1408 with alanine.
Molecular consequence: missense variant.
Genome position (GRCh38, 1-based): chr17:39,531,066, T>C. VCF-style: chr17-39531066-T-C. GRCh37 (hg19) VCF-style: chr17-37687319-T-C.
Other names: c.4196T>C, p.Val1399Ala (NM_015083.4); short protein forms V1408A, V1399A.
Identifiers: ClinVar variation 5034066 (VCV005034066.1).

ClinVar aggregate classification (germline): Uncertain significance (1 of 4 stars; one submission).

gnomAD v4.1: 1 of 1,610,466 alleles (0.000062%); highest among the groups gnomAD compares: Non-Finnish European, 0.000085%; no homozygotes.

Submission:

Ambry Genetics
Classification: Uncertain significance. Last evaluated: 2026-06-25. Review status: criteria provided, single submitter. Criteria: Ambry Variant Classification Scheme 2023. Collection method: clinical testing. Allele origin: germline.
Comment: The p.V1408A variant (also known as c.4223T>C), located in coding exon 14 of the CDK12 gene, results from a T to C substitution at nucleotide position 4223. The valine at codon 1408 is replaced by alanine, an amino acid with similar properties. This amino acid position is conserved. In addition, this alteration is predicted to be tolerated by in silico analysis. Based on the available evidence, the clinical significance of this variant remains unclear.